The following is an entry in ClinVar:

NM_006005.3(WFS1):c.*258A>G

Gene: WFS1 (wolframin ER transmembrane glycoprotein; plus strand). Cytogenetic location: 4p16.1.
Variant type: single nucleotide variant.
Coding change: c.*258A>G on transcript NM_006005.3 (MANE Select); 258 bases downstream of the stop codon, A replaced by G.
Molecular consequence: 3 prime UTR variant.
Genome position (GRCh38, 1-based): chr4:6,302,726, A>G. VCF-style: chr4-6302726-A-G. GRCh37 (hg19) VCF-style: chr4-6304453-A-G.
Other names: c.*258A>G (NM_001145853.1).
Identifiers: ClinVar variation 349341 (VCV000349341.6), dbSNP rs886059533, ClinGen allele CA10621444.

ClinVar aggregate classification (germline): Conflicting classifications of pathogenicity. Review status: criteria provided, conflicting classifications (1 of 4 stars). 3 submissions from 2 submitters: Uncertain significance (2); Likely benign (1). Last evaluated 2018-01-12.

Conditions:
Wolfram syndrome 1 (WFS1). Identifiers: Orphanet 3463, MedGen C4551693, MONDO:0009101, OMIM 222300.
WFS1-Related Spectrum Disorders.
Autosomal dominant nonsyndromic hearing loss 6 (LFSNHL). Also called: DEAFNESS, AUTOSOMAL DOMINANT 6; DEAFNESS, AUTOSOMAL DOMINANT 14; DEAFNESS, AUTOSOMAL DOMINANT 38; Autosomal dominant nonsyndromic deafness 6; DIDMOAD (Diabetes Insipidus, Diabetes Mellitus, Optic Atrophy, and Deafness). Identifiers: Orphanet 90635, MedGen C1833021, MONDO:0010963, OMIM 600965.

Allele frequency attached by ClinVar (database versions not stated): gnomAD 0.00001 and 0.00002; TOPMed 0.00001; gnomAD exomes 0.00008.
gnomAD v4.1: 35 of 590,378 alleles (0.0059%); highest among the groups gnomAD compares: South Asian, 0.067%; 1 homozygote.

Submissions (3):

Illumina Laboratory Services, Illumina
Classification: Uncertain significance for Autosomal dominant nonsyndromic hearing loss 6. Last evaluated: 2018-01-12. Review status: criteria provided, single submitter. Criteria: ICSL Variant Classification Criteria 13 December 2019. Collection method: clinical testing. Allele origin: germline.

Illumina Laboratory Services, Illumina
Classification: Uncertain significance for WFS1-Related Spectrum Disorders. Last evaluated: 2018-01-12. Review status: criteria provided, single submitter. Criteria: ICSL Variant Classification Criteria 13 December 2019. Collection method: clinical testing. Allele origin: germline.

Clinical Genomics, Uppaluri K&H Personalized Medicine Clinic
Classification: Likely benign for Wolfram syndrome 1. Review status: criteria provided, single submitter. Criteria: K & H Uppaluri Personalized Medicine Clinic Variant Classification & Assertion Criteria_Updated V.1. Collection method: research. Allele origin: unknown. Inheritance: Autosomal recessive inheritance.
Comment: Potent mutations in WFS1 gene are associated with Wolfram's syndrome, an autosomal recessive condition, which cause diabetes mellitus, diabetes insipidus, deafness and optic atrophy. However, no sufficient evidence is found to ascertain the role of this particular variant rs886059533 in Wolfram's syndrome yet.

Literature cited by the submitters: PubMed 20738327 (cited by Clinical Genomics, Uppaluri K&H Personalized Medicine Clinic); PubMed 33879153 (cited by Clinical Genomics, Uppaluri K&H Personalized Medicine Clinic); PubMed 12955714 (cited by Clinical Genomics, Uppaluri K&H Personalized Medicine Clinic); PubMed 18060660 (cited by Clinical Genomics, Uppaluri K&H Personalized Medicine Clinic); PubMed 20301750 (cited by Clinical Genomics, Uppaluri K&H Personalized Medicine Clinic); PubMed 17603484 (cited by Clinical Genomics, Uppaluri K&H Personalized Medicine Clinic).